The following is an entry in ClinVar:

ClinVar aggregate classification (germline): Uncertain significance (1 of 4 stars; one submission).

Conditions:
Inborn genetic diseases. Identifiers: MedGen C0950123, MeSH D030342.

gnomAD v4.1: 10 of 1,612,722 alleles (0.00062%); highest among the groups gnomAD compares: African/African-American, 0.0013%; no homozygotes.

Submission:

Ambry Genetics
Classification: Uncertain significance for Inborn genetic diseases. Last evaluated: 2025-11-01. Review status: criteria provided, single submitter. Criteria: Ambry Variant Classification Scheme 2023. Collection method: clinical testing. Allele origin: germline.
Comment: The p.S626C variant (also known as c.1877C>G), located in coding exon 21 of the FANCA gene, results from a C to G substitution at nucleotide position 1877. The serine at codon 626 is replaced by cysteine, an amino acid with dissimilar properties. This amino acid position is conserved. In addition, this alteration is predicted to be tolerated by in silico analysis. Based on the available evidence, the clinical significance of this variant remains unclear.

NM_000135.4(FANCA):c.1877C>G (p.Ser626Cys)

Gene: FANCA (FA complementation group A; minus strand). Cytogenetic location: 16q24.3.
Variant type: single nucleotide variant.
Coding change: c.1877C>G on transcript NM_000135.4 (MANE Select); coding-DNA position 1877, C replaced by G.
Protein change: p.Ser626Cys; replaces serine 626 with cysteine.
Molecular consequence: missense variant.
Genome position (GRCh38, 1-based): chr16:89,775,765, G>C on the plus strand (C>G on the coding strand, the complement: FANCA is on the minus strand). VCF-style: chr16-89775765-G-C. GRCh37 (hg19) VCF-style: chr16-89842173-G-C.
Other names: c.1877C>G, p.Ser626Cys (NM_001286167.3); short protein forms S626C.
Identifiers: ClinVar variation 4619237 (VCV004619237.1).